The following is an entry in ClinVar:

ClinVar aggregate classification (germline): Uncertain significance (1 of 4 stars; one submission).

Conditions:
Cardiovascular phenotype. Identifiers: MedGen CN230736.

Submission:

Ambry Genetics
Classification: Uncertain significance for Cardiovascular phenotype. Last evaluated: 2022-12-01. Review status: criteria provided, single submitter. Criteria: Ambry Variant Classification Scheme 2023. Collection method: clinical testing. Allele origin: germline.
Comment: The p.A51E variant (also known as c.152C>A), located in coding exon 1 of the FOXE3 gene, results from a C to A substitution at nucleotide position 152. The alanine at codon 51 is replaced by glutamic acid, an amino acid with dissimilar properties. This amino acid position is conserved. In addition, this alteration is predicted to be tolerated by in silico analysis. Since supporting evidence is limited at this time, the clinical significance of this alteration remains unclear.

NM_012186.3(FOXE3):c.152C>A (p.Ala51Glu)

Genes: FOXE3 (forkhead box E3; plus strand), LINC01389 (long intergenic non-protein coding RNA 1389; minus strand). Cytogenetic location: 1p33.
Variant type: single nucleotide variant.
Coding change: c.152C>A on transcript NM_012186.3 (MANE Select); coding-DNA position 152, C replaced by A.
Protein change: p.Ala51Glu; replaces alanine 51 with glutamic acid.
Molecular consequence: missense variant.
Genome position (GRCh38, 1-based): chr1:47,416,467, C>A. VCF-style: chr1-47416467-C-A. GRCh37 (hg19) VCF-style: chr1-47882139-C-A.
Other names: short protein forms A51E.
Identifiers: ClinVar variation 2448360 (VCV002448360.2), dbSNP rs2521316015, ClinGen allele CA340249140.